The following is an entry in ClinVar:

NM_006514.4(SCN10A):c.958C>T (p.Pro320Ser)

Gene: SCN10A (sodium voltage-gated channel alpha subunit 10; minus strand). Cytogenetic location: 3p22.2.
Variant type: single nucleotide variant.
Coding change: c.958C>T on transcript NM_006514.4 (MANE Select); coding-DNA position 958, C replaced by T.
Protein change: p.Pro320Ser; replaces proline 320 with serine.
Molecular consequence: missense variant.
Genome position (GRCh38, 1-based): chr3:38,757,152, G>A on the plus strand (C>T on the coding strand, the complement: SCN10A is on the minus strand). VCF-style: chr3-38757152-G-A. GRCh37 (hg19) VCF-style: chr3-38798643-G-A.
Other names: c.958C>T, p.Pro320Ser (NM_001293306.2, NM_001293307.2); short protein forms P320S.
Identifiers: ClinVar variation 2315844 (VCV002315844.4), dbSNP rs2470793382, ClinGen allele CA352170293.

ClinVar aggregate classification (germline): Uncertain significance. Review status: criteria provided, multiple submitters, no conflicts (2 of 4 stars). 2 submissions from 2 submitters: Uncertain significance (2). Last evaluated 2024-09-02.

Conditions:
Cardiovascular phenotype. Identifiers: MedGen CN230736.
Brugada syndrome. Also called: Sudden unexpected nocturnal death syndrome; Sudden unexplained nocturnal death syndrome; Sudden Unexplained Death Syndrome; Sudden Unexplained Nocturnal Death Syndrome (SUNDS). Identifiers: Orphanet 130, MedGen C1142166, MONDO:0015263.

Allele frequency attached by ClinVar (database versions not stated): gnomAD exomes below 0.00001.
gnomAD v4.1: 1 of 1,600,472 alleles (0.000062%); highest among the groups gnomAD compares: Non-Finnish European, 0.000085%; no homozygotes.

Submissions (2):

Labcorp Genetics (formerly Invitae), Labcorp
Classification: Uncertain significance for Brugada syndrome. Last evaluated: 2024-09-02. Review status: criteria provided, single submitter. Criteria: Invitae Variant Classification Sherloc (09022015). Collection method: clinical testing. Allele origin: germline.
Comment: This sequence change replaces proline, which is neutral and non-polar, with serine, which is neutral and polar, at codon 320 of the SCN10A protein (p.Pro320Ser). This variant is not present in population databases (gnomAD no frequency). This variant has not been reported in the literature in individuals affected with SCN10A-related conditions. ClinVar contains an entry for this variant (Variation ID: 2315844). Invitae Evidence Modeling of protein sequence and biophysical properties (such as structural, functional, and spatial information, amino acid conservation, physicochemical variation, residue mobility, and thermodynamic stability) has been performed for this missense variant. However, the output from this modeling did not meet the statistical confidence thresholds required to predict the impact of this variant on SCN10A protein function. In summary, the available evidence is currently insufficient to determine the role of this variant in disease. Therefore, it has been classified as a Variant of Uncertain Significance.

Ambry Genetics
Classification: Uncertain significance for Cardiovascular phenotype. Last evaluated: 2022-10-03. Review status: criteria provided, single submitter. Criteria: Ambry Variant Classification Scheme 2023. Collection method: clinical testing. Allele origin: germline.